The following is an entry in ClinVar:

NM_001330078.2(NRXN1):c.832+2687C>T

Gene: NRXN1 (neurexin 1; minus strand). Cytogenetic location: 2p16.3.
Variant type: single nucleotide variant.
Coding change: c.832+2687C>T on transcript NM_001330078.2 (MANE Select); 2687 bases into the intron after coding-DNA position 832, C replaced by T.
Molecular consequence: intron variant. On other transcripts: 3 prime UTR variant (3).
Genome position (GRCh38, 1-based): chr2:50,919,182, G>A on the plus strand (C>T on the coding strand, the complement: NRXN1 is on the minus strand). VCF-style: chr2-50919182-G-A. GRCh37 (hg19) VCF-style: chr2-51146320-G-A.
Other names: c.*820C>T (NM_001330079.2, NM_001330081.2); c.*10C>T (NM_001330090.2); c.772+108320C>T (NM_001330096.2, NM_001330087.2, NM_001330083.2 and 1 more transcripts); c.802+3476C>T (NM_001330088.2); c.829+2687C>T (NM_001330093.2); c.820+3476C>T (NM_001330094.2); c.832+2687C>T (NM_001330095.2, NM_001330082.2, NM_001330077.2 and 3 more transcripts); c.931+2687C>T (NM_001135659.3).
Identifiers: ClinVar variation 3053606 (VCV003053606.3), dbSNP rs140433311, ClinGen allele CA48022935.

ClinVar aggregate classification (germline): Likely benign. Review status: criteria provided, single submitter (1 of 4 stars). 2 submissions from 2 submitters: Likely benign (1). 1 of the submissions does not count toward it. Last evaluated 2024-09-18.

Conditions:
NRXN1-related disorder.

Allele frequency attached by ClinVar (database versions not stated): 1000 Genomes Project 0.00300; 1000 Genomes Project 30x 0.00312; TOPMed 0.00446.

Submissions (2):

Blueprint Genetics
Classification: Likely benign. Last evaluated: 2024-09-18. Review status: criteria provided, single submitter. Criteria: ACMG Guidelines, 2015. Collection method: clinical testing. Allele origin: germline.

PreventionGenetics, part of Exact Sciences
Classification: Benign for NRXN1-related condition. Last evaluated: 2019-04-10. Review status: no assertion criteria provided. Collection method: clinical testing. Allele origin: germline. Not counted in ClinVar's aggregate classification.
Comment: This variant is classified as benign based on ACMG/AMP sequence variant interpretation guidelines (Richards et al. 2015 PMID: 25741868, with internal and published modifications).